The following is an entry in ClinVar:

NM_004560.4(ROR2):c.2350G>A (p.Ala784Thr)

Gene: ROR2 (receptor tyrosine kinase like orphan receptor 2; minus strand). Cytogenetic location: 9q22.31.
Variant type: single nucleotide variant.
Coding change: c.2350G>A on transcript NM_004560.4 (MANE Select); coding-DNA position 2350, G replaced by A.
Protein change: p.Ala784Thr; replaces alanine 784 with threonine.
Molecular consequence: missense variant.
Genome position (GRCh38, 1-based): chr9:91,724,144, C>T on the plus strand (G>A on the coding strand, the complement: ROR2 is on the minus strand). VCF-style: chr9-91724144-C-T. GRCh37 (hg19) VCF-style: chr9-94486426-C-T.
Other names: short protein forms A784T.
Identifiers: ClinVar variation 3023207 (VCV003023207.3), dbSNP rs753545735, ClinGen allele CA5120417.
Genomic context (GRCh38, chr9:91,724,144, plus strand): 5'-TGGGGATGAACTGGGGCTGTGGGAAGGGCGGGGCCTTCTGCTTGGGCCCCACGTAGCGGG[C>T]GTTGCTCACATTGCTCACTGGGCTGGTGCTCAGGGAGCTGGTCTGCGTGGTGTTGCTGGC-3'
Protein context (NP_004551.2, residues 774-794): STSPVSNVSN[Ala784Thr]RYVGPKQKAP

ClinVar aggregate classification (germline): Uncertain significance (1 of 4 stars; one submission).

Allele frequency attached by ClinVar (database versions not stated): gnomAD 0.00001; ExAC 0.00002; gnomAD exomes 0.00002; TOPMed 0.00002.
gnomAD v4.1: 25 of 1,611,260 alleles (0.0016%); highest among the groups gnomAD compares: South Asian, 0.0088%; no homozygotes.

Submission:

Labcorp Genetics (formerly Invitae), Labcorp
Classification: Uncertain significance. Last evaluated: 2024-01-29. Review status: criteria provided, single submitter. Criteria: Invitae Variant Classification Sherloc (09022015). Collection method: clinical testing. Allele origin: germline.
Comment: This sequence change replaces alanine, which is neutral and non-polar, with threonine, which is neutral and polar, at codon 784 of the ROR2 protein (p.Ala784Thr). This variant is present in population databases (rs753545735, gnomAD 0.003%). This variant has not been reported in the literature in individuals affected with ROR2-related conditions. Advanced modeling of protein sequence and biophysical properties (such as structural, functional, and spatial information, amino acid conservation, physicochemical variation, residue mobility, and thermodynamic stability) performed at Invitae indicates that this missense variant is not expected to disrupt ROR2 protein function with a negative predictive value of 95%. In summary, the available evidence is currently insufficient to determine the role of this variant in disease. Therefore, it has been classified as a Variant of Uncertain Significance.